The following is an entry in ClinVar:

ClinVar aggregate classification (germline): Likely benign. Review status: criteria provided, multiple submitters, no conflicts (2 of 4 stars). 3 submissions from 3 submitters: Likely benign (2). 1 of the submissions does not count toward it. Last evaluated 2025-12-24.

Conditions:
HIVEP2-related disorder. Also called: HIVEP2-related condition.
Inborn genetic diseases. Identifiers: MedGen C0950123, MeSH D030342.

Allele frequency attached by ClinVar (database versions not stated): gnomAD exomes 0.00007 and 0.00012; ExAC 0.00016; ESP Exome Variant Server 0.00056; gnomAD 0.00057 and 0.00058; TOPMed 0.00057; 1000 Genomes Project 0.00060; 1000 Genomes Project 30x 0.00062.
gnomAD v4.1: 197 of 1,613,746 alleles (0.012%); highest among the groups gnomAD compares: African/African-American, 0.17%; no homozygotes.

Submissions (3):

Labcorp Genetics (formerly Invitae), Labcorp
Classification: Likely benign. Last evaluated: 2025-12-24. Review status: criteria provided, single submitter. Criteria: Invitae Variant Classification Sherloc (09022015). Collection method: clinical testing. Allele origin: germline.

Ambry Genetics
Classification: Likely benign for Inborn genetic diseases. Last evaluated: 2025-05-01. Review status: criteria provided, single submitter. Criteria: Ambry Variant Classification Scheme 2023. Collection method: clinical testing. Allele origin: germline.

PreventionGenetics, part of Exact Sciences
Classification: Likely benign for HIVEP2-related condition. Last evaluated: 2021-01-19. Review status: no assertion criteria provided. Collection method: clinical testing. Allele origin: germline. Not counted in ClinVar's aggregate classification.
Comment: This variant is classified as likely benign based on ACMG/AMP sequence variant interpretation guidelines (Richards et al. 2015 PMID: 25741868, with internal and published modifications).

NM_006734.4(HIVEP2):c.3460G>A (p.Ala1154Thr)

Gene: HIVEP2 (HIVEP zinc finger 2; minus strand). Cytogenetic location: 6q24.2.
Variant type: single nucleotide variant.
Coding change: c.3460G>A on transcript NM_006734.4 (MANE Select); coding-DNA position 3460, G replaced by A.
Protein change: p.Ala1154Thr; replaces alanine 1154 with threonine.
Molecular consequence: missense variant.
Genome position (GRCh38, 1-based): chr6:142,771,279, C>T on the plus strand (G>A on the coding strand, the complement: HIVEP2 is on the minus strand). VCF-style: chr6-142771279-C-T. GRCh37 (hg19) VCF-style: chr6-143092416-C-T.
Other names: short protein forms A1154T.
Identifiers: ClinVar variation 722289 (VCV000722289.11), dbSNP rs191092349, ClinGen allele CA4028240.
Genomic context (GRCh38, chr6:142,771,279, plus strand): 5'-GTTGGATCAAGGGATTTCTCAAAGATTCCTGACTGTCCATGTGCATGATCTGTGGCTGGG[C>T]CAGGTGCAGTGGCCCCGAGCTCAGCGGGGGACAAGGACCCGCCACCTGCTTCCCTGGGTC-3'
Protein context (NP_006725.3, residues 1144-1164): PPLSSGPLHL[Ala1154Thr]QPQIMHMDSQ